The following is an entry in ClinVar:

NM_001322934.2(NFKB2):c.1717G>A (p.Gly573Ser)

Gene: NFKB2 (nuclear factor kappa B subunit 2; plus strand). Cytogenetic location: 10q24.32.
Variant type: single nucleotide variant.
Coding change: c.1717G>A on transcript NM_001322934.2 (MANE Select); coding-DNA position 1717, G replaced by A.
Protein change: p.Gly573Ser; replaces glycine 573 with serine.
Molecular consequence: missense variant.
Genome position (GRCh38, 1-based): chr10:102,400,410, G>A. VCF-style: chr10-102400410-G-A. GRCh37 (hg19) VCF-style: chr10-104160167-G-A.
Other names: c.1717G>A, p.Gly573Ser (NM_001077494.3, NM_001261403.3, NM_001288724.1 and 1 more transcripts); c.1591G>A, p.Gly531Ser (NM_001322935.1); short protein forms G531S, G573S.
Identifiers: ClinVar variation 3679080 (VCV003679080.2).
Genomic context (GRCh38, chr10:102,400,410, plus strand): 5'-CCAGCTCTGCTGGATCGGCATGGAGACTCAGCCATGCATCTGGCGCTGCGGGCAGGCGCT[G>A]GTGCTCCTGAGCTGCTGCGTGCACTGCTTCAGAGTGGAGCTCCTGCTGTGCCCCAGCTGT-3'
Protein context (NP_001309863.1, residues 563-583): AMHLALRAGA[Gly573Ser]APELLRALLQ

ClinVar aggregate classification (germline): Uncertain significance (1 of 4 stars; one submission).

Conditions:
Immunodeficiency, common variable, 10. Also called: IMMUNODEFICIENCY, COMMON VARIABLE, WITH CENTRAL ADRENAL INSUFFICIENCY; DEFICIT IN ANTERIOR PITUITARY FUNCTION AND VARIABLE IMMUNODEFICIENCY. Identifiers: MedGen C3809991, MONDO:0014260, OMIM 615577.

Submission:

Labcorp Genetics (formerly Invitae), Labcorp
Classification: Uncertain significance for Immunodeficiency, common variable, 10. Last evaluated: 2025-01-01. Review status: criteria provided, single submitter. Criteria: Invitae Variant Classification Sherloc (09022015). Collection method: clinical testing. Allele origin: germline.
Comment: This sequence change replaces glycine, which is neutral and non-polar, with serine, which is neutral and polar, at codon 573 of the NFKB2 protein (p.Gly573Ser). This variant is not present in population databases (gnomAD no frequency). This variant has not been reported in the literature in individuals affected with NFKB2-related conditions. An algorithm developed to predict the effect of missense changes on protein structure and function outputs the following: PolyPhen-2: "Benign". The serine amino acid residue is found in multiple mammalian species, which suggests that this missense change does not adversely affect protein function. In summary, the available evidence is currently insufficient to determine the role of this variant in disease. Therefore, it has been classified as a Variant of Uncertain Significance.